The following is an entry in ClinVar:

NM_018486.3(HDAC8):c.1111+3G>T

Gene: HDAC8 (histone deacetylase 8; minus strand). Cytogenetic location: Xq13.1.
Variant type: single nucleotide variant.
Coding change: c.1111+3G>T on transcript NM_018486.3 (MANE Select); 3 bases into the intron after coding-DNA position 1111, G replaced by T.
Molecular consequence: intron variant.
Genome position (GRCh38, 1-based): chrX:72,351,730, C>A on the plus strand (G>T on the coding strand, the complement: HDAC8 is on the minus strand). VCF-style: chrX-72351730-C-A. GRCh37 (hg19) VCF-style: chrX-71571580-C-A.
Other names: c.838+3G>T (NM_001166418.2, NM_001410728.1); c.811+3G>T (NM_001441234.1); c.1033+3G>T (NM_001410727.1); c.1111+3G>T (NM_001410725.1).
Identifiers: ClinVar variation 4706393 (VCV004706393.1).

ClinVar aggregate classification (germline): Uncertain significance (1 of 4 stars; one submission).

Conditions:
Cornelia de Lange syndrome 5 (CDLS5). Also called: HDAC8-Related Cornelia de Lange Syndrome. Identifiers: Orphanet 199, MedGen C3550903, MONDO:0010471, OMIM 300882.

gnomAD v4.1: 8 of 1,196,822 alleles (0.00067%); highest among the groups gnomAD compares: Non-Finnish European, 0.00091%; no homozygotes.

Submission:

Labcorp Genetics (formerly Invitae), Labcorp
Classification: Uncertain significance for Cornelia de Lange syndrome 5. Last evaluated: 2025-09-10. Review status: criteria provided, single submitter. Criteria: Invitae Variant Classification Sherloc (09022015). Collection method: clinical testing. Allele origin: germline.
Comment: This sequence change falls in intron 10 of the HDAC8 gene. It does not directly change the encoded amino acid sequence of the HDAC8 protein. It affects a nucleotide within the consensus splice site. This variant is not present in population databases (gnomAD no frequency). This variant has not been reported in the literature in individuals affected with HDAC8-related conditions. Variants that disrupt the consensus splice site are a relatively common cause of aberrant splicing (PMID: 17576681, 9536098). Algorithms developed to predict the effect of sequence changes on RNA splicing suggest that this variant is not likely to affect RNA splicing. In summary, the available evidence is currently insufficient to determine the role of this variant in disease. Therefore, it has been classified as a Variant of Uncertain Significance.

Literature cited by the submitters: PubMed 17576681; PubMed 9536098.